The following is an entry in ClinVar:

ClinVar aggregate classification (germline): Uncertain significance (1 of 4 stars; one submission).

Allele frequency attached by ClinVar (database versions not stated): gnomAD exomes below 0.00001.
gnomAD v4.1: 3 of 1,614,136 alleles (0.00019%); highest among the groups gnomAD compares: Non-Finnish European, 0.00017%; no homozygotes.

Submission:

Labcorp Genetics (formerly Invitae), Labcorp
Classification: Uncertain significance. Last evaluated: 2022-07-25. Review status: criteria provided, single submitter. Criteria: Invitae Variant Classification Sherloc (09022015). Collection method: clinical testing. Allele origin: germline.
Comment: This sequence change replaces serine, which is neutral and polar, with threonine, which is neutral and polar, at codon 177 of the OTOF protein (p.Ser177Thr). This variant is not present in population databases (gnomAD no frequency). This variant has not been reported in the literature in individuals affected with OTOF-related conditions. Algorithms developed to predict the effect of missense changes on protein structure and function are either unavailable or do not agree on the potential impact of this missense change (SIFT: "Deleterious"; PolyPhen-2: "Benign"; Align-GVGD: "Class C0"). In summary, the available evidence is currently insufficient to determine the role of this variant in disease. Therefore, it has been classified as a Variant of Uncertain Significance.

NM_194248.3(OTOF):c.529T>A (p.Ser177Thr)

Genes: OTOF (otoferlin; minus strand), LOC129933336 (ATAC-STARR-seq lymphoblastoid silent region 11274; plus strand). Cytogenetic location: 2p23.3.
Variant type: single nucleotide variant.
Coding change: c.529T>A on transcript NM_194248.3 (MANE Select); coding-DNA position 529, T replaced by A.
Protein change: p.Ser177Thr; replaces serine 177 with threonine.
Molecular consequence: missense variant.
Genome position (GRCh38, 1-based): chr2:26,503,826, A>T on the plus strand (T>A on the coding strand, the complement: OTOF is on the minus strand). VCF-style: chr2-26503826-A-T. GRCh37 (hg19) VCF-style: chr2-26726694-A-T.
Other names: c.529T>A, p.Ser177Thr (NM_001287489.2); short protein forms S177T.
Identifiers: ClinVar variation 1966784 (VCV001966784.2), dbSNP rs2465324310, ClinGen allele CA346139177.